The following is an entry in ClinVar:

ClinVar aggregate classification (germline): Uncertain significance (1 of 4 stars; one submission).

Allele frequency attached by ClinVar (database versions not stated): gnomAD exomes below 0.00001 and 0.00001; ExAC 0.00001.
gnomAD v4.1: 2 of 1,614,202 alleles (0.00012%); highest among the groups gnomAD compares: Non-Finnish European, 0.000085%; no homozygotes.

Submission:

Labcorp Genetics (formerly Invitae), Labcorp
Classification: Uncertain significance. Last evaluated: 2022-06-20. Review status: criteria provided, single submitter. Criteria: Invitae Variant Classification Sherloc (09022015). Collection method: clinical testing. Allele origin: germline.
Comment: This sequence change replaces threonine, which is neutral and polar, with asparagine, which is neutral and polar, at codon 476 of the TULP1 protein (p.Thr476Asn). This variant is present in population databases (rs749392203, gnomAD 0.007%). This variant has not been reported in the literature in individuals affected with TULP1-related conditions. ClinVar contains an entry for this variant (Variation ID: 934347). Algorithms developed to predict the effect of missense changes on protein structure and function are either unavailable or do not agree on the potential impact of this missense change (SIFT: "Not Available"; PolyPhen-2: "Probably Damaging"; Align-GVGD: "Not Available"). In summary, the available evidence is currently insufficient to determine the role of this variant in disease. Therefore, it has been classified as a Variant of Uncertain Significance.

NM_003322.6(TULP1):c.1427C>A (p.Thr476Asn)

Gene: TULP1 (TUB like protein 1; minus strand). Cytogenetic location: 6p21.31.
Variant type: single nucleotide variant.
Coding change: c.1427C>A on transcript NM_003322.6 (MANE Select); coding-DNA position 1427, C replaced by A.
Protein change: p.Thr476Asn; replaces threonine 476 with asparagine.
Molecular consequence: missense variant.
Genome position (GRCh38, 1-based): chr6:35,500,049, G>T on the plus strand (C>A on the coding strand, the complement: TULP1 is on the minus strand). VCF-style: chr6-35500049-G-T. GRCh37 (hg19) VCF-style: chr6-35467826-G-T.
Other names: c.1268C>A, p.Thr423Asn (NM_001289395.2); short protein forms T476N, T423N.
Identifiers: ClinVar variation 934347 (VCV000934347.7), dbSNP rs749392203, ClinGen allele CA3772554.